The following is an entry in ClinVar:

NM_001851.6(COL9A1):c.1966C>T (p.Pro656Ser)

Gene: COL9A1 (collagen type IX alpha 1 chain; minus strand). Cytogenetic location: 6q13.
Variant type: single nucleotide variant.
Coding change: c.1966C>T on transcript NM_001851.6 (MANE Select); coding-DNA position 1966, C replaced by T.
Protein change: p.Pro656Ser; replaces proline 656 with serine.
Molecular consequence: missense variant. On other transcripts: non-coding transcript variant (1).
Genome position (GRCh38, 1-based): chr6:70,241,996, G>A on the plus strand (C>T on the coding strand, the complement: COL9A1 is on the minus strand). VCF-style: chr6-70241996-G-A. GRCh37 (hg19) VCF-style: chr6-70951699-G-A.
Other names: c.1267C>T, p.Pro423Ser (NM_001377289.1); c.1237C>T, p.Pro413Ser (NM_001377290.1, NM_078485.4); short protein forms P413S, P423S, P656S.
Identifiers: ClinVar variation 999415 (VCV000999415.8), dbSNP rs773476642, ClinGen allele CA3881936.

ClinVar aggregate classification (germline): Uncertain significance (1 of 4 stars; one submission).

Allele frequency attached by ClinVar (database versions not stated): TOPMed below 0.00001; gnomAD 0.00001.

Submission:

Labcorp Genetics (formerly Invitae), Labcorp
Classification: Uncertain significance. Last evaluated: 2024-10-29. Review status: criteria provided, single submitter. Criteria: Invitae Variant Classification Sherloc (09022015). Collection method: clinical testing. Allele origin: germline.
Comment: This sequence change replaces proline, which is neutral and non-polar, with serine, which is neutral and polar, at codon 656 of the COL9A1 protein (p.Pro656Ser). The frequency data for this variant in the population databases is considered unreliable, as metrics indicate poor data quality at this position in the gnomAD database. This variant has not been reported in the literature in individuals affected with COL9A1-related conditions. ClinVar contains an entry for this variant (Variation ID: 999415). Invitae Evidence Modeling of protein sequence and biophysical properties (such as structural, functional, and spatial information, amino acid conservation, physicochemical variation, residue mobility, and thermodynamic stability) indicates that this missense variant is not expected to disrupt COL9A1 protein function with a negative predictive value of 95%. In summary, the available evidence is currently insufficient to determine the role of this variant in disease. Therefore, it has been classified as a Variant of Uncertain Significance.